The following is an entry in ClinVar:

ClinVar aggregate classification (germline): Uncertain significance. Review status: criteria provided, multiple submitters, no conflicts (2 of 4 stars). 2 submissions from 2 submitters: Uncertain significance (2). Last evaluated 2023-03-07.

Conditions:
Fanconi anemia (FA). Also called: Fanconi's anemia. Identifiers: Orphanet 84, MedGen C0015625, MeSH D005199, MONDO:0019391.
Fanconi anemia complementation group A (FANCA). Also called: Fanconi anemia, group A; FANCA-Related Fanconi Anemia. Identifiers: Orphanet 84, MedGen C3469521, MONDO:0009215, OMIM 227650.

Allele frequency attached by ClinVar (database versions not stated): TOPMed below 0.00001.
gnomAD v4.1: 3 of 1,613,404 alleles (0.00019%); highest among the groups gnomAD compares: Admixed American, 0.0017%; no homozygotes.

Submissions (2):

Labcorp Genetics (formerly Invitae), Labcorp
Classification: Uncertain significance for Fanconi anemia. Last evaluated: 2023-03-07. Review status: criteria provided, single submitter. Criteria: Invitae Variant Classification Sherloc (09022015). Collection method: clinical testing. Allele origin: germline.
Comment: This sequence change replaces leucine, which is neutral and non-polar, with phenylalanine, which is neutral and non-polar, at codon 1265 of the FANCA protein (p.Leu1265Phe). In summary, the available evidence is currently insufficient to determine the role of this variant in disease. Therefore, it has been classified as a Variant of Uncertain Significance. Advanced modeling of protein sequence and biophysical properties (such as structural, functional, and spatial information, amino acid conservation, physicochemical variation, residue mobility, and thermodynamic stability) performed at Invitae indicates that this missense variant is expected to disrupt FANCA protein function. ClinVar contains an entry for this variant (Variation ID: 1710940). This missense change has been observed in individual(s) with head and neck squamous cell carcinoma (PMID: 28678401). This variant is not present in population databases (gnomAD no frequency).

St. Jude Molecular Pathology, St. Jude Children's Research Hospital
Classification: Uncertain significance for Fanconi anemia complementation group A. Last evaluated: 2022-09-20. Review status: criteria provided, single submitter. Criteria: St. Jude Assertion Criteria 2020. Collection method: clinical testing. Allele origin: germline.
Comment: The FANCA c.3795G>T (p.Leu1265Phe) missense change is absent in gnomAD v2.1.1. The in silico tool REVEL predicts a deleterious effect on protein function, but to our knowledge this prediction has not been confirmed by functional studies. This variant has been reported as heterozygous in at least one individual with head and neck squamous cell carcinoma (PMID: 2867840). To our knowledge, this variant has not been reported in individuals with Fanconi anemia. In summary, the evidence currently available is insufficient to determine the clinical significance of this variant. It has therefore been classified as of uncertain significance.

Literature cited by the submitters: PubMed 28678401 (cited by Labcorp Genetics (formerly Invitae), Labcorp).

NM_000135.4(FANCA):c.3795G>T (p.Leu1265Phe)

Genes: ZNF276 (zinc finger protein 276; plus strand), FANCA (FA complementation group A; minus strand). Cytogenetic location: 16q24.3.
Variant type: single nucleotide variant.
Coding change: c.3795G>T on transcript NM_000135.4 (MANE Select); coding-DNA position 3795, G replaced by T.
Protein change: p.Leu1265Phe; replaces leucine 1265 with phenylalanine.
Molecular consequence: missense variant. On other transcripts: 3 prime UTR variant (2), non-coding transcript variant (4).
Genome position (GRCh38, 1-based): chr16:89,740,837, C>A on the plus strand (G>T on the coding strand, the complement: FANCA is on the minus strand). VCF-style: chr16-89740837-C-A. GRCh37 (hg19) VCF-style: chr16-89807245-C-A.
Other names: c.3795G>T, p.Leu1265Phe (NM_001286167.3); c.*2591C>A (NM_001113525.2, NM_152287.4); short protein forms L1265F.
Identifiers: ClinVar variation 1710940 (VCV001710940.2), dbSNP rs1010989878, ClinGen allele CA286618427.